The following is an entry in ClinVar:

NM_014633.5(CTR9):c.2124C>T (p.Leu708=)

Gene: CTR9 (CTR9 component of Paf1/RNA polymerase II complex; plus strand). Cytogenetic location: 11p15.4.
Variant type: single nucleotide variant.
Coding change: c.2124C>T on transcript NM_014633.5 (MANE Select); coding-DNA position 2124, C replaced by T.
Protein change: p.Leu708=; no amino-acid change (leucine 708 retained).
Molecular consequence: synonymous variant.
Genome position (GRCh38, 1-based): chr11:10,770,224, C>T. VCF-style: chr11-10770224-C-T. GRCh37 (hg19) VCF-style: chr11-10791771-C-T.
Other names: c.2124C>T, p.Leu708= (NM_001346279.2).
Identifiers: ClinVar variation 3772258 (VCV003772258.13).

ClinVar aggregate classification (germline): Likely benign (1 of 4 stars; one submission).

Submission:

CeGaT Center for Human Genetics Tuebingen
Classification: Likely benign. Last evaluated: 2025-01-01. Review status: criteria provided, single submitter. Criteria: CeGaT Center For Human Genetics Tuebingen Variant Classification Criteria Version 2. Collection method: clinical testing. Allele origin: germline. Affected: yes. Observed: 1 variant allele.
Comment: CTR9: PM2:Supporting, BP4, BP7